The following is an entry in ClinVar:

NM_000240.4(MAOA):c.1564A>G (p.Lys522Glu)

Gene: MAOA (monoamine oxidase A; plus strand). Cytogenetic location: Xp11.3.
Variant type: single nucleotide variant.
Coding change: c.1564A>G on transcript NM_000240.4 (MANE Select); coding-DNA position 1564, A replaced by G.
Protein change: p.Lys522Glu; replaces lysine 522 with glutamic acid.
Molecular consequence: missense variant.
Genome position (GRCh38, 1-based): chrX:43,744,493, A>G. VCF-style: chrX-43744493-A-G. GRCh37 (hg19) VCF-style: chrX-43603740-A-G.
Other names: c.1165A>G, p.Lys389Glu (NM_001270458.2); short protein forms K389E, K522E.
Identifiers: ClinVar variation 1904445 (VCV001904445.6), dbSNP rs976594274, ClinGen allele CA329466952.

ClinVar aggregate classification (germline): Conflicting classifications of pathogenicity. Review status: criteria provided, conflicting classifications (1 of 4 stars). 2 submissions from 2 submitters: Uncertain significance (1); Likely benign (1). Last evaluated 2026-08-01.

Conditions:
Brunner syndrome (BRNRS). Identifiers: Orphanet 3057, MedGen C0796275, MONDO:0010379, OMIM 300615.

Allele frequency attached by ClinVar (database versions not stated): gnomAD 0.00002; gnomAD exomes 0.00002; TOPMed 0.00003.

Submissions (2):

CeGaT Center for Human Genetics Tuebingen
Classification: Likely benign. Last evaluated: 2026-08-01. Review status: criteria provided, single submitter. Criteria: CeGaT Center For Human Genetics Tuebingen Variant Classification Criteria Version 2. Collection method: clinical testing. Allele origin: germline. Affected: yes. Observed: 1 variant allele.
Comment: MAOA: BP4, BS2

Labcorp Genetics (formerly Invitae), Labcorp
Classification: Uncertain significance for Brunner syndrome. Last evaluated: 2022-11-08. Review status: criteria provided, single submitter. Criteria: Invitae Variant Classification Sherloc (09022015). Collection method: clinical testing. Allele origin: germline.
Comment: In summary, the available evidence is currently insufficient to determine the role of this variant in disease. Therefore, it has been classified as a Variant of Uncertain Significance. Algorithms developed to predict the effect of missense changes on protein structure and function (SIFT, PolyPhen-2, Align-GVGD) all suggest that this variant is likely to be tolerated. This variant has not been reported in the literature in individuals affected with MAOA-related conditions. This variant is present in population databases (no rsID available, gnomAD 0.001%). This sequence change replaces lysine, which is basic and polar, with glutamic acid, which is acidic and polar, at codon 522 of the MAOA protein (p.Lys522Glu).